The following is an entry in ClinVar:

NM_014141.6(CNTNAP2):c.3493C>G (p.Gln1165Glu)

Gene: CNTNAP2 (contactin associated protein 2; plus strand). Cytogenetic location: 7q36.1.
Variant type: single nucleotide variant.
Coding change: c.3493C>G on transcript NM_014141.6 (MANE Select); coding-DNA position 3493, C replaced by G.
Protein change: p.Gln1165Glu; replaces glutamine 1165 with glutamic acid.
Molecular consequence: missense variant.
Genome position (GRCh38, 1-based): chr7:148,383,666, C>G. VCF-style: chr7-148383666-C-G. GRCh37 (hg19) VCF-style: chr7-148080758-C-G.
Other names: c.3493C>G (NM_014141.5); short protein forms Q1165E.
Identifiers: ClinVar variation 1370618 (VCV001370618.8), dbSNP rs1045386195, ClinGen allele CA168305302.

ClinVar aggregate classification (germline): Uncertain significance. Review status: criteria provided, multiple submitters, no conflicts (2 of 4 stars). 2 submissions from 2 submitters: Uncertain significance (2). Last evaluated 2025-04-09.

Conditions:
Inborn genetic diseases. Identifiers: MedGen C0950123, MeSH D030342.
Cortical dysplasia-focal epilepsy syndrome (PTHSL1). Also called: Pitt-Hopkins-like syndrome 1. Identifiers: Orphanet 163681, Orphanet 221150, MedGen C2750246, MONDO:0012400, OMIM 610042.

Allele frequency attached by ClinVar (database versions not stated): gnomAD exomes below 0.00001; gnomAD 0.00001 and 0.00002; TOPMed 0.00001.
gnomAD v4.1: 10 of 1,613,916 alleles (0.00062%); highest among the groups gnomAD compares: Admixed American, 0.0017%; no homozygotes.

Submissions (2):

Ambry Genetics
Classification: Uncertain significance for Inborn genetic diseases. Last evaluated: 2025-04-09. Review status: criteria provided, single submitter. Criteria: Ambry Variant Classification Scheme 2023. Collection method: clinical testing. Allele origin: germline.

Labcorp Genetics (formerly Invitae), Labcorp
Classification: Uncertain significance for Cortical dysplasia-focal epilepsy syndrome. Last evaluated: 2021-02-08. Review status: criteria provided, single submitter. Criteria: Invitae Variant Classification Sherloc (09022015). Collection method: clinical testing. Allele origin: germline.
Comment: This variant is not present in population databases (ExAC no frequency). This sequence change replaces glutamine with glutamic acid at codon 1165 of the CNTNAP2 protein (p.Gln1165Glu). The glutamine residue is moderately conserved and there is a small physicochemical difference between glutamine and glutamic acid. This variant has not been reported in the literature in individuals with CNTNAP2-related conditions. Algorithms developed to predict the effect of missense changes on protein structure and function (SIFT, PolyPhen-2, Align-GVGD) all suggest that this variant is likely to be tolerated, but these predictions have not been confirmed by published functional studies and their clinical significance is uncertain. In summary, the available evidence is currently insufficient to determine the role of this variant in disease. Therefore, it has been classified as a Variant of Uncertain Significance.